The following is an entry in ClinVar:

NM_001035.3(RYR2):c.6793-4G>A

Gene: RYR2 (ryanodine receptor 2; plus strand). Cytogenetic location: 1q43.
Variant type: single nucleotide variant.
Coding change: c.6793-4G>A on transcript NM_001035.3 (MANE Select); 4 bases into the intron before coding-DNA position 6793, G replaced by A.
Molecular consequence: intron variant.
Genome position (GRCh38, 1-based): chr1:237,638,353, G>A. VCF-style: chr1-237638353-G-A. GRCh37 (hg19) VCF-style: chr1-237801653-G-A.
Identifiers: ClinVar variation 1637796 (VCV001637796.13), dbSNP rs568936247, ClinGen allele CA087226.

ClinVar aggregate classification (germline): Conflicting classifications of pathogenicity. Review status: criteria provided, conflicting classifications (1 of 4 stars). 4 submissions from 4 submitters: Uncertain significance (1); Benign (1); Likely benign (2). Last evaluated 2025-09-27.

Conditions:
Cardiovascular phenotype. Identifiers: MedGen CN230736.
Catecholaminergic polymorphic ventricular tachycardia (CVPT). Also called: Catecholamine-induced polymorphic ventricular tachycardia. Identifiers: Orphanet 3286, MedGen C5574922, MONDO:0017990.
Catecholaminergic polymorphic ventricular tachycardia 1. Also called: VENTRICULAR TACHYCARDIA, CATECHOLAMINERGIC POLYMORPHIC, 1, WITH OR WITHOUT ATRIAL DYSFUNCTION AND/OR DILATED CARDIOMYOPATHY; VENTRICULAR TACHYCARDIA, STRESS-INDUCED POLYMORPHIC 1; RYR2-Related Catecholaminergic Polymorphic Ventricular Tachycardia. Identifiers: Orphanet 3286, MedGen C1631597, MONDO:0011484, OMIM 604772.

Allele frequency attached by ClinVar (database versions not stated): 1000 Genomes Project 30x 0.00016; 1000 Genomes Project 0.00020.
gnomAD v4.1: 13 of 1,613,838 alleles (0.00081%); highest among the groups gnomAD compares: East Asian, 0.029%; no homozygotes.

Submissions (4):

Labcorp Genetics (formerly Invitae), Labcorp
Classification: Benign for Catecholaminergic polymorphic ventricular tachycardia 1. Last evaluated: 2025-09-27. Review status: criteria provided, single submitter. Criteria: Invitae Variant Classification Sherloc (09022015). Collection method: clinical testing. Allele origin: germline.

All of Us Research Program, National Institutes of Health
Classification: Likely benign for Catecholaminergic polymorphic ventricular tachycardia. Last evaluated: 2023-12-13. Review status: criteria provided, single submitter. Criteria: ACMG Guidelines, 2015. Collection method: clinical testing. Allele origin: germline. Inheritance: Autosomal dominant inheritance. Observed: 1 variant allele, 1 heterozygote.
Comment: This study involves interpretation of variants in research participants for the purpose of population health screening. Participant phenotype was not available at the time of variant classification. Additional details can be found in publication PMID: 35346344, PMCID: PMC8962531

Blueprint Genetics
Classification: Likely benign. Last evaluated: 2022-08-11. Review status: criteria provided, single submitter. Criteria: ACMG Guidelines, 2015. Collection method: clinical testing. Allele origin: germline.

Ambry Genetics
Classification: Uncertain significance for Cardiovascular phenotype. Last evaluated: 2019-09-05. Review status: criteria provided, single submitter. Criteria: Ambry Variant Classification Scheme 2023. Collection method: clinical testing. Allele origin: germline.
Comment: The c.6793-4G>A intronic variant results from a G to A substitution 4 nucleotides upstream from coding exon 45 in the RYR2 gene. This nucleotide position is not well conserved in available vertebrate species. Using the BDGP and ESEfinder splice site prediction tools, this alteration is not predicted to have any significant effect on this splice acceptor site; however, direct evidence is unavailable. Since supporting evidence is limited at this time, the clinical significance of this alteration remains unclear.